The following is an entry in ClinVar:

NM_052947.4(ALPK2):c.4130A>C (p.Glu1377Ala)

Genes: ALPK2 (alpha kinase 2; minus strand), LOC126862764 (BRD4-independent group 4 enhancer GRCh37_chr18:56202574-56203773; plus strand). Cytogenetic location: 18q21.31.
Variant type: single nucleotide variant.
Coding change: c.4130A>C on transcript NM_052947.4 (MANE Select); coding-DNA position 4130, A replaced by C.
Protein change: p.Glu1377Ala; replaces glutamic acid 1377 with alanine.
Molecular consequence: missense variant.
Genome position (GRCh38, 1-based): chr18:58,536,057, T>G on the plus strand (A>C on the coding strand, the complement: ALPK2 is on the minus strand). VCF-style: chr18-58536057-T-G. GRCh37 (hg19) VCF-style: chr18-56203289-T-G.
Other names: short protein forms E1377A.
Identifiers: ClinVar variation 1738083 (VCV001738083.2), dbSNP rs2518875392, ClinGen allele CA402564145.

ClinVar aggregate classification (germline): Uncertain significance (1 of 4 stars; one submission).

Allele frequency attached by ClinVar (database versions not stated): gnomAD exomes below 0.00001.
gnomAD v4.1: 2 of 1,614,200 alleles (0.00012%); highest among the groups gnomAD compares: Non-Finnish European, 0.00017%; no homozygotes.

Submission:

Ambry Genetics
Classification: Uncertain significance. Last evaluated: 2023-12-21. Review status: criteria provided, single submitter. Criteria: Ambry Variant Classification Scheme 2023. Collection method: clinical testing. Allele origin: germline.
Comment: The p.E1377A variant (also known as c.4130A>C), located in coding exon 4 of the ALPK2 gene, results from an A to C substitution at nucleotide position 4130. The glutamic acid at codon 1377 is replaced by alanine, an amino acid with dissimilar properties. This amino acid position is conserved. In addition, this alteration is predicted to be tolerated by in silico analysis. Since supporting evidence is limited at this time, the clinical significance of this alteration remains unclear.